The following is an entry in ClinVar:

ClinVar aggregate classification (germline): Uncertain significance (1 of 4 stars; one submission).

Allele frequency attached by ClinVar (database versions not stated): TOPMed below 0.00001; gnomAD 0.00001.
gnomAD v4.1: 1 of 1,614,058 alleles (0.000062%); highest among the groups gnomAD compares: African/African-American, 0.0013%; no homozygotes.

Submission:

Labcorp Genetics (formerly Invitae), Labcorp
Classification: Uncertain significance. Last evaluated: 2022-09-14. Review status: criteria provided, single submitter. Criteria: Invitae Variant Classification Sherloc (09022015). Collection method: clinical testing. Allele origin: germline.
Comment: In summary, the available evidence is currently insufficient to determine the role of this variant in disease. Therefore, it has been classified as a Variant of Uncertain Significance. Advanced modeling of protein sequence and biophysical properties (such as structural, functional, and spatial information, amino acid conservation, physicochemical variation, residue mobility, and thermodynamic stability) performed at Invitae indicates that this missense variant is expected to disrupt NFE2L2 protein function. This variant has not been reported in the literature in individuals affected with NFE2L2-related conditions. This variant is not present in population databases (gnomAD no frequency). This sequence change replaces lysine, which is basic and polar, with isoleucine, which is neutral and non-polar, at codon 44 of the NFE2L2 protein (p.Lys44Ile).

NM_006164.5(NFE2L2):c.131A>T (p.Lys44Ile)

Gene: NFE2L2 (NFE2 like bZIP transcription factor 2; minus strand). Cytogenetic location: 2q31.2.
Variant type: single nucleotide variant.
Coding change: c.131A>T on transcript NM_006164.5 (MANE Select); coding-DNA position 131, A replaced by T.
Protein change: p.Lys44Ile; replaces lysine 44 with isoleucine.
Molecular consequence: missense variant. On other transcripts: 5 prime UTR variant (1), intron variant (1).
Genome position (GRCh38, 1-based): chr2:177,234,186, T>A on the plus strand (A>T on the coding strand, the complement: NFE2L2 is on the minus strand). VCF-style: chr2-177234186-T-A. GRCh37 (hg19) VCF-style: chr2-178098914-T-A.
Other names: c.83A>T, p.Lys28Ile (NM_001145412.3, NM_001145413.3, NM_001313900.1 and 1 more transcripts); c.131A>T, p.Lys44Ile (NM_001313902.2); c.-99A>T (NM_001313904.1); c.93+38A>T (NM_001313903.2); short protein forms K28I, K44I.
Identifiers: ClinVar variation 1719436 (VCV001719436.5), dbSNP rs1255895060, ClinGen allele CA349381452.